The following is an entry in ClinVar:

ClinVar aggregate classification (germline): Uncertain significance (1 of 4 stars; one submission).

Submission:

Labcorp Genetics (formerly Invitae), Labcorp
Classification: Uncertain significance. Last evaluated: 2025-06-09. Review status: criteria provided, single submitter. Criteria: Invitae Variant Classification Sherloc (09022015). Collection method: clinical testing. Allele origin: germline.
Comment: This sequence change replaces proline, which is neutral and non-polar, with arginine, which is basic and polar, at codon 566 of the PHEX protein (p.Pro566Arg). This variant is not present in population databases (gnomAD no frequency). This variant has not been reported in the literature in individuals affected with PHEX-related conditions. Invitae Evidence Modeling of protein sequence and biophysical properties (such as structural, functional, and spatial information, amino acid conservation, physicochemical variation, residue mobility, and thermodynamic stability) has been performed for this missense variant. However, the output from this modeling did not meet the statistical confidence thresholds required to predict the impact of this variant on PHEX protein function. In summary, the available evidence is currently insufficient to determine the role of this variant in disease. Therefore, it has been classified as a Variant of Uncertain Significance.

NM_000444.6(PHEX):c.1697C>G (p.Pro566Arg)

Genes: PHEX (phosphate regulating endopeptidase X-linked; plus strand), PTCHD1-AS (PTCHD1 and PHEX antisense RNA; minus strand). Cytogenetic location: Xp22.11.
Variant type: single nucleotide variant.
Coding change: c.1697C>G on transcript NM_000444.6 (MANE Select); coding-DNA position 1697, C replaced by G.
Protein change: p.Pro566Arg; replaces proline 566 with arginine.
Molecular consequence: missense variant.
Genome position (GRCh38, 1-based): chrX:22,212,955, C>G. VCF-style: chrX-22212955-C-G. GRCh37 (hg19) VCF-style: chrX-22231072-C-G.
Other names: c.1697C>G, p.Pro566Arg (NM_001282754.2); short protein forms P566R.
Identifiers: ClinVar variation 4711361 (VCV004711361.1).
Genomic context (GRCh38, chrX:22,212,955, plus strand): 5'-TTCTCATAGGATTTCCAGCAGGAGAGCTCCAGAAGCCTTTCTTTTGGGGAACAGAATATC[C>G]TCGGTGAGTAAATGAGTACAGAAACCAGTTACTGACCAATTAGGAAGAACATGTTGCTTT-3'
Protein context (NP_000435.3, residues 556-576): QKPFFWGTEY[Pro566Arg]RSLSYGAIGV